The following is an entry in ClinVar:

NM_000257.4(MYH7):c.5533C>T (p.Arg1845Trp)

Gene: MYH7 (myosin heavy chain 7; minus strand). Cytogenetic location: 14q11.2.
Variant type: single nucleotide variant.
Coding change: c.5533C>T on transcript NM_000257.4 (MANE Select); coding-DNA position 5533, C replaced by T.
Protein change: p.Arg1845Trp; replaces arginine 1845 with tryptophan.
Molecular consequence: missense variant.
Genome position (GRCh38, 1-based): chr14:23,415,021, G>A on the plus strand (C>T on the coding strand, the complement: MYH7 is on the minus strand). VCF-style: chr14-23415021-G-A. GRCh37 (hg19) VCF-style: chr14-23884230-G-A.
Other names: c.5533C>T, p.Arg1845Trp (LRG_384t1); short protein forms R1845W.
Identifiers: ClinVar variation 14114 (VCV000014114.60), dbSNP rs28933098, ClinGen allele CA016203.

ClinVar aggregate classification (germline): Conflicting classifications of pathogenicity. Review status: criteria provided, conflicting classifications (1 of 4 stars). 7 submissions from 7 submitters: Pathogenic (4); Likely pathogenic (1); Uncertain significance (1). 1 of the submissions does not count toward it. Last evaluated 2025-03-25.

Conditions:
Hyaline body myopathy. Identifiers: Orphanet 53698, MedGen CN253826, MONDO:0018889.
Myosin storage myopathy (CMYO7A). Also called: SCAPULOPERONEAL MUSCULAR DYSTROPHY; SCAPULOPERONEAL SYNDROME, MYOPATHIC TYPE; MYOPATHY, HYALINE BODY, AUTOSOMAL DOMINANT; Scapuloperoneal myopathy, MYH7-related; MYOPATHY WITH LYSIS OF TYPE I MYOFIBRILS; MYH7-related late-onset scapuloperoneal muscular dystrophy. Identifiers: Orphanet 437572, Orphanet 636965, MedGen C1842160, MONDO:0008409, OMIM 608358.
Hypertrophic cardiomyopathy 1 (CMH1). Also called: Familial hypertrophic cardiomyopathy 1; MYH7-Related Familial Hypertrophic Cardiomyopathy. Identifiers: MedGen C3495498, MONDO:0008647, OMIM 192600.
MYH7-related skeletal myopathy. Also called: Myopathy, distal, 1; MYOPATHY, DISTAL, EARLY-ONSET, AUTOSOMAL DOMINANT; MYOPATHY, LATE DISTAL HEREDITARY; Laing distal myopathy; Laing early-onset distal myopathy. Identifiers: Orphanet 59135, MedGen C4552004, MONDO:0008050, OMIM 160500.
Dilated cardiomyopathy 1S (CMD1S). Identifiers: Orphanet 154, Orphanet 54260, MedGen C1834481, MONDO:0013262, OMIM 613426.
Left ventricular noncompaction 1 (LVNC1). Also called: LEFT VENTRICULAR NONCOMPACTION 1 WITH OR WITHOUT CONGENITAL HEART DEFECTS. Identifiers: Orphanet 54260, MedGen C1858725, MONDO:0011403, OMIM 604169.
Cardiomyopathy (CMYO). Also called: Cardiomyopathies. Identifiers: Orphanet 167848, MedGen C0878544, MONDO:0004994, HP:0001638. Inheritance: Various modes of inheritance.
Hypertrophic cardiomyopathy. Also called: HYPERTROPHIC MYOCARDIOPATHY. Identifiers: Orphanet 217569, MedGen C0007194, MeSH D002312, MONDO:0005045, HP:0001639.

gnomAD v4.1: 2 of 1,609,910 alleles (0.00012%); no homozygotes.

Submissions (7):

Labcorp Genetics (formerly Invitae), Labcorp
Classification: Pathogenic for Hypertrophic cardiomyopathy. Last evaluated: 2025-03-25. Review status: criteria provided, single submitter. Criteria: Invitae Variant Classification Sherloc (09022015). Collection method: clinical testing. Allele origin: germline.
Comment: This sequence change replaces arginine, which is basic and polar, with tryptophan, which is neutral and slightly polar, at codon 1845 of the MYH7 protein (p.Arg1845Trp). This variant is not present in population databases (gnomAD no frequency). This missense change has been observed in individuals with myosin storage myopathy and skeletal myopathy (PMID: 14520662, 15699387, 17118657, 17336526, 20376763). It has also been observed to segregate with disease in related individuals. ClinVar contains an entry for this variant (Variation ID: 14114). Invitae Evidence Modeling of protein sequence and biophysical properties (such as structural, functional, and spatial information, amino acid conservation, physicochemical variation, residue mobility, and thermodynamic stability) indicates that this missense variant is expected to disrupt MYH7 protein function with a positive predictive value of 95%. Experimental studies have shown that this missense change affects MYH7 function (PMID: 19336582). For these reasons, this variant has been classified as Pathogenic.

Revvity Omics, Revvity
Classification: Pathogenic. Last evaluated: 2024-09-09. Review status: criteria provided, single submitter. Criteria: ACMG Guidelines, 2015. Collection method: clinical testing. Allele origin: germline.

Color Diagnostics, LLC DBA Color Health
Classification: Uncertain significance for Cardiomyopathy. Last evaluated: 2022-04-08. Review status: criteria provided, single submitter. Criteria: ACMG Guidelines, 2015. Collection method: clinical testing. Allele origin: germline.
Comment: This missense variant replaces arginine with tryptophan at codon 1845 in the LMM domain of the MYH7 protein. Computational prediction suggests that this variant may have deleterious impact on protein structure and function (internally defined REVEL score threshold >= 0.7, PMID: 27666373). Functional studies have shown that this variant disrupts myosin filament assembly (PMID: 19336582, 28125727, 28973424) and impairs jump and flight ability in Drosophila mutants (PMID: 28973424, 33234710). This variant has been reported in multiple families and individuals affected with myosin-related disorders without cardiac involvement, including myosin storage myopathy (PMID: 14520662, 15699387, 17118657, 17336526, 20376763), scapulo-peroneal myopathy (PMID: 17336526), hereditary myopathy (PMID: 29170849), and inherited muscle disease (PMID: 31791368). This variant has not been identified in the general population by the Genome Aggregation Database (gnomAD). In summary, while this variant has been reported to cause myosin storage myopathy, the additional evidence is insufficient to determine the role of this variant in cardiomyopathy conclusively. Therefore, this variant is classified as a Variant of Uncertain Significance.

MGZ Medical Genetics Center
Classification: Likely pathogenic for Myosin storage myopathy. Last evaluated: 2021-10-19. Review status: criteria provided, single submitter. Criteria: ACMG Guidelines, 2015. Collection method: clinical testing. Allele origin: germline. Affected: yes. Observed: 1 variant allele.
Comment: ACMG criteria applied: PS3, PM2_SUP, PP3

CeGaT Center for Human Genetics Tuebingen
Classification: Pathogenic. Last evaluated: 2021-06-01. Review status: criteria provided, single submitter. Criteria: CeGaT Center For Human Genetics Tuebingen Variant Classification Criteria Version 2. Collection method: clinical testing. Allele origin: germline. Affected: yes. Observed: 2 variant alleles.

Laboratory for Molecular Medicine, Mass General Brigham Personalized Medicine
Classification: Pathogenic for Hyaline body myopathy. Last evaluated: 2020-03-24. Review status: criteria provided, single submitter. Criteria: ACMG Guidelines, 2015. Collection method: clinical testing. Allele origin: germline. Inheritance: Autosomal dominant inheritance.
Comment: The p.Arg1845Trp variant in MYH7 has been reported in at least 10 individuals with myosin storage myopathy and segregated with disease in at least 10 affected family members from at least three families (Tajsharghi 2003, Laing 2005, Shingde 2006, Pegoraro 2007, Kiphuth 2010, Harris 2017, Li 2018). This variant was absent from large population studies, but has been reported in ClinVar (Variation ID: 14114). Computational prediction tools and conservation analyses are consistent with pathogenicity. In vitro and in vivo functional studies support an impact on protein function (Armel 2009, Dahl-Halvarsson 2017, Viswanathan 2017). In summary, this variant meets criteria to be classified as pathogenic for autosomal dominant myosin storage myopathy. ACMG/AMP Criteria applied: PP1_Strong, PM2, PS3_Moderate, PS4_Moderate, PP3.

OMIM
Classification: Pathogenic for CONGENITAL MYOPATHY 7A, MYOSIN STORAGE, AUTOSOMAL DOMINANT. Last evaluated: 2009-04-14. Review status: no assertion criteria provided. Collection method: literature only. Allele origin: germline. Not counted in ClinVar's aggregate classification.

Literature cited by the submitters: PubMed 14520662 (cited by 4 submitters); PubMed 15699387 (cited by 4 submitters); PubMed 17118657 (cited by 3 submitters); PubMed 17336526 (cited by 4 submitters); PubMed 20376763 (cited by 3 submitters); PubMed 19336582 (cited by 4 submitters); PubMed 28125727 (cited by Color Diagnostics, LLC DBA Color Health and Laboratory for Molecular Medicine, Mass General Brigham Personalized Medicine); PubMed 28973424 (cited by Color Diagnostics, LLC DBA Color Health and Laboratory for Molecular Medicine, Mass General Brigham Personalized Medicine); PubMed 29170849 (cited by Color Diagnostics, LLC DBA Color Health and Laboratory for Molecular Medicine, Mass General Brigham Personalized Medicine); PubMed 31791368 (cited by Color Diagnostics, LLC DBA Color Health); PubMed 33234710 (cited by Color Diagnostics, LLC DBA Color Health); PubMed 28877744 (cited by Laboratory for Molecular Medicine, Mass General Brigham Personalized Medicine).